The following is an entry in ClinVar:

NM_000268.4(NF2):c.1675G>T (p.Asp559Tyr)

Gene: NF2 (NF2, moesin-ezrin-radixin like (MERLIN) tumor suppressor; plus strand). Cytogenetic location: 22q12.2.
Variant type: single nucleotide variant.
Coding change: c.1675G>T on transcript NM_000268.4 (MANE Select); coding-DNA position 1675, G replaced by T.
Protein change: p.Asp559Tyr; replaces aspartic acid 559 with tyrosine.
Molecular consequence: missense variant. On other transcripts: non-coding transcript variant (1), intron variant (1).
Genome position (GRCh38, 1-based): chr22:29,681,539, G>T. VCF-style: chr22-29681539-G-T. GRCh37 (hg19) VCF-style: chr22-30077528-G-T.
Other names: c.1675G>T, p.Asp559Tyr (NM_016418.5, NM_181825.3, NM_181832.3); c.1549G>T, p.Asp517Tyr (NM_181828.3); c.1552G>T, p.Asp518Tyr (NM_181829.3); c.1426G>T, p.Asp476Tyr (NM_181830.3, NM_181831.3); c.448-13213G>T (NM_181833.3); short protein forms D476Y, D517Y, D518Y, D559Y.
Identifiers: ClinVar variation 819763 (VCV000819763.21), dbSNP rs917012886, ClinGen allele CA323120976.

ClinVar aggregate classification (germline): Uncertain significance. Review status: criteria provided, multiple submitters, no conflicts (2 of 4 stars). 7 submissions from 7 submitters: Uncertain significance (7). Last evaluated 2026-05-27.

Conditions:
Hereditary cancer-predisposing syndrome. Also called: Neoplastic Syndromes, Hereditary; Hereditary neoplastic syndrome; Hereditary Cancer Syndrome; Tumor predisposition. Identifiers: Orphanet 140162, MedGen C0027672, MeSH D009386, MONDO:0015356.
Familial meningioma. Also called: Meningioma, familial, susceptibility to. Identifiers: Orphanet 263662, MedGen C3551915, MONDO:0011789, OMIM 607174.
Neurofibromatosis, type 2 (SWNV). Also called: BILATERAL ACOUSTIC NEUROFIBROMATOSIS; SCHWANNOMATOSIS, VESTIBULAR; NF2-Related Schwannomatosis. Identifiers: Orphanet 637, MedGen C0027832, MONDO:0007039, OMIM 101000. Disease mechanism: loss of function.

Allele frequency attached by ClinVar (database versions not stated): gnomAD exomes below 0.00001; gnomAD 0.00002 and 0.00001; TOPMed 0.00001.
gnomAD v4.1: 8 of 1,614,076 alleles (0.0005%); highest among the groups gnomAD compares: African/African-American, 0.0013%; no homozygotes.

Submissions (7):

Ambry Genetics
Classification: Uncertain significance for Hereditary cancer-predisposing syndrome. Last evaluated: 2026-05-27. Review status: criteria provided, single submitter. Criteria: Ambry Variant Classification Scheme 2023. Collection method: clinical testing. Allele origin: germline.
Comment: The p.D559Y variant (also known as c.1675G>T), located in coding exon 15 of the NF2 gene, results from a G to T substitution at nucleotide position 1675. The aspartic acid at codon 559 is replaced by tyrosine, an amino acid with highly dissimilar properties. This amino acid position is highly conserved in available vertebrate species. In addition, this alteration is predicted to be deleterious by in silico analysis. Based on the available evidence, the clinical significance of this variant remains unclear.

St. Jude Molecular Pathology, St. Jude Children's Research Hospital
Classification: Uncertain significance for Neurofibromatosis, type 2. Last evaluated: 2026-02-11. Review status: criteria provided, single submitter. Criteria: St. Jude Assertion Criteria 2020. Collection method: clinical testing. Allele origin: germline.
Comment: The NF2 c.1675G>T p.(Asp559Tyr) missense change has an allele frequency of 0.0004% in gnomAD v2.1.1. The in silico tool REVEL predicts a deleterious effect on protein function, but to our knowledge this prediction has not been confirmed by functional studies. To our knowledge, this variant has not been reported in individuals with Neurofibromatosis type 2. In summary, the evidence currently available is insufficient to determine the clinical significance of this variant. It has therefore been classified as of uncertain significance.

Labcorp Genetics (formerly Invitae), Labcorp
Classification: Uncertain significance for Neurofibromatosis, type 2. Last evaluated: 2025-09-16. Review status: criteria provided, single submitter. Criteria: Invitae Variant Classification Sherloc (09022015). Collection method: clinical testing. Allele origin: germline.
Comment: This sequence change replaces aspartic acid, which is acidic and polar, with tyrosine, which is neutral and polar, at codon 559 of the NF2 protein (p.Asp559Tyr). This variant is not present in population databases (gnomAD no frequency). This variant has not been reported in the literature in individuals affected with NF2-related conditions. ClinVar contains an entry for this variant (Variation ID: 819763). Invitae Evidence Modeling of protein sequence and biophysical properties (such as structural, functional, and spatial information, amino acid conservation, physicochemical variation, residue mobility, and thermodynamic stability) indicates that this missense variant is not expected to disrupt NF2 protein function with a negative predictive value of 80%. In summary, the available evidence is currently insufficient to determine the role of this variant in disease. Therefore, it has been classified as a Variant of Uncertain Significance.

Color Diagnostics, LLC DBA Color Health
Classification: Uncertain significance for Neurofibromatosis, type 2. Last evaluated: 2025-08-20. Review status: criteria provided, single submitter. Criteria: ACMG Guidelines, 2015. Collection method: clinical testing. Allele origin: germline.
Comment: This missense variant replaces aspartic acid with tyrosine at codon 559 of the NF2 protein. Computational prediction suggests that this variant may have deleterious impact on protein structure and function. To our knowledge, functional studies have not been reported for this variant. This variant has been reported in an individual affected with meningioma (DOI: 10.32350/cto.12.01). This variant has been identified in 8/1614076 chromosomes in the general population by the Genome Aggregation Database (gnomAD v4.1.0). The available evidence is insufficient to determine the role of this variant in disease conclusively. Therefore, this variant is classified as a Variant of Uncertain Significance.

GeneDx
Classification: Uncertain significance. Last evaluated: 2025-03-20. Review status: criteria provided, single submitter. Criteria: GeneDx Variant Classification Process June 2021. Collection method: clinical testing. Allele origin: germline. Affected: yes.
Comment: In silico analysis supports that this missense variant has a deleterious effect on protein structure/function; Has not been previously published as pathogenic or benign to our knowledge; This variant is associated with the following publications: (PMID: 11756419)

Baylor Genetics
Classification: Uncertain significance for Familial meningioma. Last evaluated: 2023-06-30. Review status: criteria provided, single submitter. Criteria: ACMG Guidelines, 2015. Collection method: clinical testing. Allele origin: unknown.

Genome-Nilou Lab
Classification: Uncertain significance for Neurofibromatosis, type 2. Last evaluated: 2021-11-07. Review status: criteria provided, single submitter. Criteria: ACMG Guidelines, 2015. Collection method: clinical testing. Allele origin: germline. Affected: no.